The following is an entry in ClinVar:

NM_001330260.2(SCN8A):c.3091G>T (p.Val1031Leu)

Gene: SCN8A (sodium voltage-gated channel alpha subunit 8; plus strand). Cytogenetic location: 12q13.13.
Variant type: single nucleotide variant.
Coding change: c.3091G>T on transcript NM_001330260.2 (MANE Select); coding-DNA position 3091, G replaced by T.
Protein change: p.Val1031Leu; replaces valine 1031 with leucine.
Molecular consequence: missense variant.
Genome position (GRCh38, 1-based): chr12:51,769,054, G>T. VCF-style: chr12-51769054-G-T. GRCh37 (hg19) VCF-style: chr12-52162838-G-T.
Other names: c.3091G>T, p.Val1031Leu (NM_001177984.3, NM_001369788.1, NM_014191.4); short protein forms V1031L.
Identifiers: ClinVar variation 2783901 (VCV002783901.3), dbSNP rs1213802783, ClinGen allele CA384892384.

ClinVar aggregate classification (germline): Uncertain significance (1 of 4 stars; one submission).

Conditions:
Early-infantile DEE. Also called: Ohtahara syndrome; Early infantile epileptic encephalopathy; Early infantile epileptic encephalopathy with suppression bursts. Identifiers: Orphanet 1934, MedGen C0393706, MONDO:0800491.

gnomAD v4.1: 1 of 1,614,030 alleles (0.000062%); highest among the groups gnomAD compares: South Asian, 0.0011%; no homozygotes.

Submission:

Labcorp Genetics (formerly Invitae), Labcorp
Classification: Uncertain significance for Early-infantile DEE. Last evaluated: 2023-01-16. Review status: criteria provided, single submitter. Criteria: Invitae Variant Classification Sherloc (09022015). Collection method: clinical testing. Allele origin: germline.
Comment: This variant has not been reported in the literature in individuals affected with SCN8A-related conditions. This variant is not present in population databases (gnomAD no frequency). This sequence change replaces valine, which is neutral and non-polar, with leucine, which is neutral and non-polar, at codon 1031 of the SCN8A protein (p.Val1031Leu). Advanced modeling of protein sequence and biophysical properties (such as structural, functional, and spatial information, amino acid conservation, physicochemical variation, residue mobility, and thermodynamic stability) performed at Invitae indicates that this missense variant is not expected to disrupt SCN8A protein function. In summary, the available evidence is currently insufficient to determine the role of this variant in disease. Therefore, it has been classified as a Variant of Uncertain Significance.